The following is an entry in ClinVar:

ClinVar aggregate classification (germline): Likely benign. Review status: criteria provided, multiple submitters, no conflicts (2 of 4 stars). 2 submissions from 2 submitters: Likely benign (2). Last evaluated 2026-05-05.

gnomAD v4.1: 5 of 1,613,956 alleles (0.00031%); highest among the groups gnomAD compares: Non-Finnish European, 0.00042%; no homozygotes.

Submissions (2):

Women's Health and Genetics/Laboratory Corporation of America, LabCorp
Classification: Likely benign. Last evaluated: 2026-05-05. Review status: criteria provided, single submitter. Criteria: LabCorp Variant Classification Summary - May 2015. Collection method: clinical testing. Allele origin: germline.
Comment: Variant summary: SLC12A5 c.1749C>A alters a conserved nucleotide resulting in a synonymous change. Consensus agreement among computation tools predict no significant impact on normal splicing. However, these predictions have yet to be confirmed by functional studies. The variant allele was found at a frequency of 4e-06 in 251408 control chromosomes. The available data on variant occurrences in the general population are insufficient to allow any conclusion about variant significance. To our knowledge, no occurrence of c.1749C>A in individuals affected with SLC12A5-related conditions and no experimental evidence demonstrating its impact on protein function have been reported. ClinVar contains an entry for this variant (Variation ID: 542327). Based on the evidence outlined above, the variant was classified as likely benign.

Blueprint Genetics
Classification: Likely benign. Last evaluated: 2024-11-04. Review status: criteria provided, single submitter. Criteria: ACMG Guidelines, 2015. Collection method: clinical testing. Allele origin: germline.

NM_020708.5(SLC12A5):c.1680C>A (p.Ile560=)

Gene: SLC12A5 (solute carrier family 12 member 5; plus strand). Cytogenetic location: 20q13.12.
Variant type: single nucleotide variant.
Coding change: c.1680C>A on transcript NM_020708.5 (MANE Select); coding-DNA position 1680, C replaced by A.
Protein change: p.Ile560=; no amino-acid change (isoleucine 560 retained).
Molecular consequence: synonymous variant.
Genome position (GRCh38, 1-based): chr20:46,045,988, C>A. VCF-style: chr20-46045988-C-A. GRCh37 (hg19) VCF-style: chr20-44674627-C-A.
Other names: c.1749C>A, p.Ile583= (NM_001134771.2).
Identifiers: ClinVar variation 4853546 (VCV004853546.2).